The following is an entry in ClinVar:

NM_018406.7(MUC4):c.2214T>C (p.Leu738=)

Gene: MUC4 (mucin 4, cell surface associated). Cytogenetic location: 3q29.
Variant type: single nucleotide variant.
Coding change: c.2214T>C on transcript NM_018406.7 (MANE Select); coding-DNA position 2214, T replaced by C.
Protein change: p.Leu738=; no amino-acid change (leucine 738 retained).
Molecular consequence: synonymous variant. On other transcripts: genic upstream transcript variant (2).
Genome position (GRCh38, 1-based): chr3:195,789,366, A>G on the plus strand (T>C on the coding strand, the complement: MUC4 is on the minus strand). VCF-style: chr3-195789366-A-G. GRCh37 (hg19) VCF-style: chr3-195516237-A-G.
Other names: c.2229T>C, p.Leu743= (NM_001322468.1); c.83-15061T>C (NM_138297.5); c.83-10911T>C (NM_004532.6).
Identifiers: ClinVar variation 2654488 (VCV002654488.24), dbSNP rs371515314, ClinGen allele CA2775135.

ClinVar aggregate classification (germline): Likely benign (1 of 4 stars; one submission).

Allele frequency attached by ClinVar (database versions not stated): ExAC 0.00005; TOPMed 0.00006; gnomAD 0.00007; ESP Exome Variant Server 0.00008; gnomAD exomes 0.00013.
gnomAD v4.1: 193 of 1,613,754 alleles (0.012%); highest among the groups gnomAD compares: Non-Finnish European, 0.016%; no homozygotes.

Submission:

CeGaT Center for Human Genetics Tuebingen
Classification: Likely benign. Last evaluated: 2022-08-01. Review status: criteria provided, single submitter. Criteria: CeGaT Center For Human Genetics Tuebingen Variant Classification Criteria Version 2. Collection method: clinical testing. Allele origin: germline. Affected: yes. Observed: 1 variant allele.
Comment: MUC4: BP4, BP7